The following is an entry in ClinVar:

ClinVar aggregate classification (germline): Pathogenic/Likely pathogenic. Review status: criteria provided, multiple submitters, no conflicts (2 of 4 stars). 4 submissions from 4 submitters: Pathogenic (2); Likely pathogenic (1). 1 of the submissions does not count toward it. Last evaluated 2024-10-27.

Conditions:
Sialuria. Also called: Sialic Acid Storage Disease; SIALURIA, FRENCH TYPE. Identifiers: Orphanet 3166, MedGen C0342853, MONDO:0010028, OMIM 269921.
GNE myopathy (NM). Also called: NONAKA DISTAL MYOPATHY; INCLUSION BODY MYOPATHY, HEREDITARY, AUTOSOMAL RECESSIVE; INCLUSION BODY MYOPATHY 2, AUTOSOMAL RECESSIVE; IBM 2; Inclusion body myopathy autosomal recessive; Inclusion body myopathy quadriceps sparing. Identifiers: Orphanet 602, MedGen C1853926, MONDO:0011603, OMIM 605820.

Submissions (4):

Labcorp Genetics (formerly Invitae), Labcorp
Classification: Pathogenic for Sialuria; GNE myopathy. Last evaluated: 2024-10-27. Review status: criteria provided, single submitter. Criteria: Invitae Variant Classification Sherloc (09022015). Collection method: clinical testing. Allele origin: germline.
Comment: This variant, c.1806_1808del, results in the deletion of 1 amino acid(s) of the GNE protein (p.Val603del), but otherwise preserves the integrity of the reading frame. This variant is present in population databases (rs762796465, gnomAD 0.003%). This variant has been observed in individual(s) with myopathy (PMID: 24027297). ClinVar contains an entry for this variant (Variation ID: 503710). This variant disrupts a region of the GNE protein in which other variant(s) (p.Val603Leu) have been determined to be pathogenic (PMID: 11916006, 12177386, 12325084, 12913203, 16503389, 18383535, 25257349, 26161358, 27363342, 27829678). This suggests that this is a clinically significant region of the protein, and that variants that disrupt it are likely to be disease-causing. For these reasons, this variant has been classified as Pathogenic.

CeGaT Center for Human Genetics Tuebingen
Classification: Pathogenic. Last evaluated: 2018-02-01. Review status: criteria provided, single submitter. Criteria: CeGaT Center For Human Genetics Tuebingen Variant Classification Criteria Version 2. Collection method: clinical testing. Allele origin: germline. Affected: yes. Observed: 1 variant allele.

GeneDx
Classification: Likely pathogenic. Last evaluated: 2017-11-22. Review status: criteria provided, single submitter. Criteria: GeneDx Variant Classification (06012015). Collection method: clinical testing. Allele origin: germline. Affected: yes.
Comment: The c.1806_1808delTGT variant in the GNE gene has been reported previously, using alternative nomenclature (c.1713_1715delTGT), in trans with another GNE pathogenic variant in an individual with inclusion body myopathy (Cho et al., 2014). The c.1806_1808delTGT variant results in an in-frame deletion of Valine 603, denoted p.Val603del. This variant is not observed at a significant frequency in large population cohorts (Lek et al., 2016). In-silico analyses, including protein predictors and evolutionary conservation, support that this variant does not alter protein structure/function. We interpret c.1806_1808delTGT as a likely pathogenic variant.

Natera, Inc.
Classification: Likely pathogenic for Nonaka myopathy. Last evaluated: 2021-04-27. Review status: no assertion criteria provided. Collection method: clinical testing. Allele origin: germline. Not counted in ClinVar's aggregate classification.

Literature cited by the submitters: PubMed 24027297 (cited by Labcorp Genetics (formerly Invitae), Labcorp); PubMed 11916006 (cited by Labcorp Genetics (formerly Invitae), Labcorp); PubMed 12177386 (cited by Labcorp Genetics (formerly Invitae), Labcorp); PubMed 12325084 (cited by Labcorp Genetics (formerly Invitae), Labcorp); PubMed 12913203 (cited by Labcorp Genetics (formerly Invitae), Labcorp); PubMed 16503389 (cited by Labcorp Genetics (formerly Invitae), Labcorp); PubMed 18383535 (cited by Labcorp Genetics (formerly Invitae), Labcorp); PubMed 25257349 (cited by Labcorp Genetics (formerly Invitae), Labcorp); PubMed 26161358 (cited by Labcorp Genetics (formerly Invitae), Labcorp); PubMed 27363342 (cited by Labcorp Genetics (formerly Invitae), Labcorp); PubMed 27829678 (cited by Labcorp Genetics (formerly Invitae), Labcorp).

NM_005476.7(GNE):c.1710TGT[1] (p.Val572del)

Gene: GNE (glucosamine (UDP-N-acetyl)-2-epimerase/N-acetylmannosamine kinase; minus strand). Cytogenetic location: 9p13.3.
Variant type: Microsatellite.
Coding change: c.1710TGT[1] on transcript NM_005476.7 (MANE Select); one copy of the 3-base unit TGT starting at c.1710; the reference has two copies in a row; one copy, 3 bases deleted.
Protein change: p.Val572del; deletes valine 572.
Molecular consequence: inframe deletion.
Genome position (GRCh38, 1-based): chr9:36,219,939-36,219,941, ACA deleted on the plus strand (TGT on the coding strand, the reverse complement: GNE is on the minus strand); deleting any 3 consecutive bases within chr9:36,219,939-36,219,945 gives the same sequence; the position shown is the placement nearest the transcript's 3' end. VCF-style (leftmost placement, unchanged base first): chr9-36219938-CACA-C. GRCh37 (hg19) VCF-style: chr9-36219935-CACA-C.
Other names: c.1806_1808del (NM_001128227.2, NM_001128227.3); c.1806_1808delTGT (NM_001128227.2); c.1803TGT[1], p.Val603del (NM_001128227.3); c.1488TGT[1], p.Val498del (NM_001190383.3); c.1380TGT[1], p.Val462del (NM_001190384.3); c.1533TGT[1], p.Val513del (NM_001190388.2, NM_001374798.1); c.1557TGT[1], p.Val521del (NM_001374797.1); short protein forms V572del, V603del, V462del, V498del, V521del, V513del.
Identifiers: ClinVar variation 503710 (VCV000503710.47), dbSNP rs762796465, ClinGen allele CA5056433.
Genomic context (GRCh38, chr9:36,219,938, plus strand): 5'-AGAGGCGTATGCTTCAATGCACCCATGGCTTCCACAGGAACAATCAGGCCCATCCAGAGA[CACA>C]ACAAGGTGGCCCAGTTCTGCAGCACAGAAGGAGCTTCCGTGGATCAATTCATGCTGATGG-3'